The following is an entry in ClinVar:

NM_212482.4(FN1):c.4144C>T (p.Pro1382Ser)

Genes: FN1 (fibronectin 1; minus strand), LOC126806497 (BRD4-independent group 4 enhancer GRCh37_chr2:216255920-216257119; plus strand). Cytogenetic location: 2q35.
Variant type: single nucleotide variant.
Coding change: c.4144C>T on transcript NM_212482.4 (MANE Select); coding-DNA position 4144, C replaced by T.
Protein change: p.Pro1382Ser; replaces proline 1382 with serine.
Molecular consequence: missense variant.
Genome position (GRCh38, 1-based): chr2:215,391,740, G>A on the plus strand (C>T on the coding strand, the complement: FN1 is on the minus strand). VCF-style: chr2-215391740-G-A. GRCh37 (hg19) VCF-style: chr2-216256463-G-A.
Other names: c.4144C>T, p.Pro1382Ser (NM_001306129.2, NM_001306130.2, NM_001365517.2 and 3 more transcripts); c.3871C>T, p.Pro1291Ser (NM_001306131.2, NM_001306132.2, NM_001365518.2 and 7 more transcripts); short protein forms P1291S, P1382S.
Identifiers: ClinVar variation 1427409 (VCV001427409.6), dbSNP rs761078111, ClinGen allele CA350484299.

ClinVar aggregate classification (germline): Uncertain significance (1 of 4 stars; one submission).

Allele frequency attached by ClinVar (database versions not stated): gnomAD exomes below 0.00001.
gnomAD v4.1: 2 of 1,614,106 alleles (0.00012%); highest among the groups gnomAD compares: Non-Finnish European, 0.00017%; no homozygotes.

Submission:

Labcorp Genetics (formerly Invitae), Labcorp
Classification: Uncertain significance. Last evaluated: 2025-05-06. Review status: criteria provided, single submitter. Criteria: Invitae Variant Classification Sherloc (09022015). Collection method: clinical testing. Allele origin: germline.
Comment: This sequence change replaces proline, which is neutral and non-polar, with serine, which is neutral and polar, at codon 1382 of the FN1 protein (p.Pro1382Ser). This variant is not present in population databases (gnomAD no frequency). This variant has not been reported in the literature in individuals affected with FN1-related conditions. ClinVar contains an entry for this variant (Variation ID: 1427409). An algorithm developed to predict the effect of missense changes on protein structure and function outputs the following: PolyPhen-2: "Benign". The serine amino acid residue is found in multiple mammalian species, which suggests that this missense change does not adversely affect protein function. In summary, the available evidence is currently insufficient to determine the role of this variant in disease. Therefore, it has been classified as a Variant of Uncertain Significance.